The following is an entry in ClinVar:

ClinVar aggregate classification (germline): Uncertain significance (1 of 4 stars; one submission).

Conditions:
Multiple acyl-CoA dehydrogenase deficiency (MADD). Also called: Glutaric aciduria, type 2; Glutaric acidemia type II; GA 2; ETHYLMALONIC-ADIPICACIDURIA; GA II; Glutaric Acidemia type 2. Identifiers: Orphanet 26791, MedGen C0268596, MONDO:0009282, OMIM 231680.

Allele frequency attached by ClinVar (database versions not stated): gnomAD exomes 0.00001.

Submission:

Labcorp Genetics (formerly Invitae), Labcorp
Classification: Uncertain significance for Multiple acyl-CoA dehydrogenase deficiency. Last evaluated: 2023-05-20. Review status: criteria provided, single submitter. Criteria: Invitae Variant Classification Sherloc (09022015). Collection method: clinical testing. Allele origin: germline.
Comment: In summary, the available evidence is currently insufficient to determine the role of this variant in disease. Therefore, it has been classified as a Variant of Uncertain Significance. Advanced modeling of protein sequence and biophysical properties (such as structural, functional, and spatial information, amino acid conservation, physicochemical variation, residue mobility, and thermodynamic stability) performed at Invitae indicates that this missense variant is expected to disrupt ETFB protein function. This variant has not been reported in the literature in individuals affected with ETFB-related conditions. This variant is not present in population databases (gnomAD no frequency). This sequence change replaces valine, which is neutral and non-polar, with glycine, which is neutral and non-polar, at codon 18 of the ETFB protein (p.Val18Gly).

NM_001985.3(ETFB):c.53T>G (p.Val18Gly)

Gene: ETFB (electron transfer flavoprotein subunit beta; minus strand). Cytogenetic location: 19q13.41.
Variant type: single nucleotide variant.
Coding change: c.53T>G on transcript NM_001985.3 (MANE Select); coding-DNA position 53, T replaced by G.
Protein change: p.Val18Gly; replaces valine 18 with glycine.
Molecular consequence: missense variant.
Genome position (GRCh38, 1-based): chr19:51,366,274, A>C on the plus strand (T>G on the coding strand, the complement: ETFB is on the minus strand). VCF-style: chr19-51366274-A-C. GRCh37 (hg19) VCF-style: chr19-51869528-A-C.
Other names: short protein forms V18G.
Identifiers: ClinVar variation 2889689 (VCV002889689.3), dbSNP rs1428028565, ClinGen allele CA407087129.